The following is an entry in ClinVar:

ClinVar aggregate classification (germline): Uncertain significance (1 of 4 stars; one submission).

Submission:

Labcorp Genetics (formerly Invitae), Labcorp
Classification: Uncertain significance. Last evaluated: 2022-11-10. Review status: criteria provided, single submitter. Criteria: Invitae Variant Classification Sherloc (09022015). Collection method: clinical testing. Allele origin: germline.
Comment: This sequence change replaces serine, which is neutral and polar, with threonine, which is neutral and polar, at codon 453 of the PRDM13 protein (p.Ser453Thr). This variant is not present in population databases (gnomAD no frequency). This variant has not been reported in the literature in individuals affected with PRDM13-related conditions. Algorithms developed to predict the effect of missense changes on protein structure and function (SIFT, PolyPhen-2, Align-GVGD) all suggest that this variant is likely to be tolerated. In summary, the available evidence is currently insufficient to determine the role of this variant in disease. Therefore, it has been classified as a Variant of Uncertain Significance.

NM_021620.4(PRDM13):c.1358G>C (p.Ser453Thr)

Gene: PRDM13 (PR/SET domain 13; plus strand). Cytogenetic location: 6q16.2.
Variant type: single nucleotide variant.
Coding change: c.1358G>C on transcript NM_021620.4 (MANE Select); coding-DNA position 1358, G replaced by C.
Protein change: p.Ser453Thr; replaces serine 453 with threonine.
Molecular consequence: missense variant.
Genome position (GRCh38, 1-based): chr6:99,613,993, G>C. VCF-style: chr6-99613993-G-C. GRCh37 (hg19) VCF-style: chr6-100061869-G-C.
Other names: short protein forms S453T.
Identifiers: ClinVar variation 2813466 (VCV002813466.3), dbSNP rs2538546817, ClinGen allele CA365118299.